The following is an entry in ClinVar:

ClinVar aggregate classification (germline): Uncertain significance (1 of 4 stars; one submission).

Conditions:
Hereditary spastic paraplegia 11. Also called: Spastic Paraplegia 11; SPASTIC PARAPLEGIA, AUTOSOMAL RECESSIVE, COMPLICATED, WITH THIN CORPUS CALLOSUM; SPASTIC PARAPLEGIA, AUTOSOMAL RECESSIVE, WITH MENTAL IMPAIRMENT AND THIN CORPUS CALLOSUM; Nakamura Osame syndrome; Autosomal recessive hereditary spastic paraplegia, mental impairment, and thin corpus callosum; Spastic paraplegia, mental retardation and thin corpus callosum. Identifiers: Orphanet 2822, MedGen C1858479, MONDO:0011445, OMIM 604360.

Allele frequency attached by ClinVar (database versions not stated): gnomAD exomes below 0.00001.

Submission:

Labcorp Genetics (formerly Invitae), Labcorp
Classification: Uncertain significance for Hereditary spastic paraplegia 11. Last evaluated: 2023-04-20. Review status: criteria provided, single submitter. Criteria: Invitae Variant Classification Sherloc (09022015). Collection method: clinical testing. Allele origin: germline.
Comment: In summary, the available evidence is currently insufficient to determine the role of this variant in disease. Therefore, it has been classified as a Variant of Uncertain Significance. Variants that disrupt the consensus splice site are a relatively common cause of aberrant splicing (PMID: 17576681, 9536098). Algorithms developed to predict the effect of sequence changes on RNA splicing suggest that this variant may disrupt the consensus splice site. ClinVar contains an entry for this variant (Variation ID: 566984). This variant has not been reported in the literature in individuals affected with SPG11-related conditions. This variant is present in population databases (no rsID available, gnomAD 0.0009%). This sequence change falls in intron 6 of the SPG11 gene. It does not directly change the encoded amino acid sequence of the SPG11 protein. It affects a nucleotide within the consensus splice site.

Literature cited by the submitters: PubMed 17576681; PubMed 9536098.

NM_025137.4(SPG11):c.1456+4A>C

Gene: SPG11 (SPG11 vesicle trafficking associated, spatacsin; minus strand). Cytogenetic location: 15q21.1.
Variant type: single nucleotide variant.
Coding change: c.1456+4A>C on transcript NM_025137.4 (MANE Select); 4 bases into the intron after coding-DNA position 1456, A replaced by C.
Molecular consequence: intron variant.
Genome position (GRCh38, 1-based): chr15:44,651,487, T>G on the plus strand (A>C on the coding strand, the complement: SPG11 is on the minus strand). VCF-style: chr15-44651487-T-G. GRCh37 (hg19) VCF-style: chr15-44943685-T-G.
Other names: c.1456+4A>C (NM_001160227.2).
Identifiers: ClinVar variation 566984 (VCV000566984.5), dbSNP rs1311330812, ClinGen allele CA618006123.